The following is an entry in ClinVar:

ClinVar aggregate classification (germline): Conflicting classifications of pathogenicity. Review status: criteria provided, conflicting classifications (1 of 4 stars). 5 submissions from 5 submitters: Pathogenic (3); Likely pathogenic (1); Uncertain significance (1). Last evaluated 2025-10-15.

Conditions:
Occipital pachygyria and polymicrogyria. Identifiers: Orphanet 280640, MedGen C3279875, MONDO:0013583, OMIM 614115.

Allele frequency attached by ClinVar (database versions not stated): ExAC 0.00003; gnomAD 0.00006 and 0.00007; TOPMed 0.00006; ESP Exome Variant Server 0.00008; 1000 Genomes Project 30x 0.00016; 1000 Genomes Project 0.00020.
gnomAD v4.1: 47 of 1,614,150 alleles (0.0029%); highest among the groups gnomAD compares: South Asian, 0.019%; no homozygotes.

Submissions (5):

Variantyx, Inc.
Classification: Pathogenic for Occipital pachygyria and polymicrogyria. Last evaluated: 2025-10-15. Review status: criteria provided, single submitter. Criteria: Variantyx Assertion Criteria 2022. Collection method: clinical testing. Allele origin: germline. Inheritance: Autosomal recessive inheritance.
Comment: This is a nonsense variant in the LAMC3 gene (OMIM: 604349). Pathogenic variants in this gene have been associated with autosomal recessive occipital cortical malformations. This variant introduces a premature termination codon in exon 23 out of 28 and is expected to result in loss of function, which is a known disease mechanism for LAMC3 in this disorder (PMID: 26802095, 21572413) (PVS1). This variant has been identified in the homozygous state in at least 1 individual reported in the published literature (PMID: 36685914) (PM3) and has a 0.0187% maximum allele frequency in non-founder control populations (PM2). Based on the current evidence, this variant is classified as pathogenic for autosomal recessive occipital cortical malformations.

Labcorp Genetics (formerly Invitae), Labcorp
Classification: Pathogenic. Last evaluated: 2025-08-15. Review status: criteria provided, single submitter. Criteria: Invitae Variant Classification Sherloc (09022015). Collection method: clinical testing. Allele origin: germline.
Comment: This sequence change creates a premature translational stop signal (p.Arg1291*) in the LAMC3 gene. It is expected to result in an absent or disrupted protein product. Loss-of-function variants in LAMC3 are known to be pathogenic (PMID: 21572413, 26802095). This variant is present in population databases (rs201793200, gnomAD 0.02%). This variant has not been reported in the literature in individuals affected with LAMC3-related conditions. ClinVar contains an entry for this variant (Variation ID: 1069700). For these reasons, this variant has been classified as Pathogenic.

Dasa
Classification: Pathogenic for Occipital pachygyria and polymicrogyria. Last evaluated: 2022-11-03. Review status: criteria provided, single submitter. Criteria: ACMG Guidelines, 2015. Collection method: clinical testing. Allele origin: germline. Affected: yes. Observed: 1 variant allele.
Comment: The c.3871C>T;p.Arg1291* variant creates a premature translational stop signal in the LAMC3 gene. It is expected to result in an absent or disrupted protein product - PVS1. ClinVar contains an entry for this variant (Clinvar ID: 1069700) - PS4_supporting. The variant is present at low allele frequencies population databases (rs201793200 – gnomAD 0.0006569%; ABraOM no frequency) - PM2_supporting. In summary, the currently available evidence indicates that the variant is pathogenic.

Revvity Omics, Revvity
Classification: Likely pathogenic for Occipital pachygyria and polymicrogyria. Last evaluated: 2021-06-05. Review status: criteria provided, single submitter. Criteria: ACMG Guidelines, 2015. Collection method: clinical testing. Allele origin: germline.

CeGaT Center for Human Genetics Tuebingen
Classification: Uncertain significance. Last evaluated: 2021-05-01. Review status: criteria provided, single submitter. Criteria: CeGaT Center For Human Genetics Tuebingen Variant Classification Criteria Version 2. Collection method: clinical testing. Allele origin: germline. Affected: yes. Observed: 3 variant alleles.

Literature cited by the submitters: PubMed 26802095 (cited by Variantyx, Inc. and Labcorp Genetics (formerly Invitae), Labcorp); PubMed 21572413 (cited by Variantyx, Inc. and Labcorp Genetics (formerly Invitae), Labcorp); PubMed 36685914 (cited by Variantyx, Inc.).

NM_006059.4(LAMC3):c.3871C>T (p.Arg1291Ter)

Gene: LAMC3 (laminin subunit gamma 3; plus strand). Cytogenetic location: 9q34.12.
Variant type: single nucleotide variant.
Coding change: c.3871C>T on transcript NM_006059.4 (MANE Select); coding-DNA position 3871, C replaced by T.
Protein change: p.Arg1291Ter; replaces arginine 1291 with a stop codon.
Molecular consequence: nonsense.
Genome position (GRCh38, 1-based): chr9:131,079,242, C>T. VCF-style: chr9-131079242-C-T. GRCh37 (hg19) VCF-style: chr9-133954629-C-T.
Other names: short protein forms R1291*.
Identifiers: ClinVar variation 1069700 (VCV001069700.48), dbSNP rs201793200, ClinGen allele CA5287967.